The following is an entry in ClinVar:

ClinVar aggregate classification (germline): Uncertain significance (1 of 4 stars; one submission).

Allele frequency attached by ClinVar (database versions not stated): gnomAD exomes below 0.00001.
gnomAD v4.1: 4 of 1,613,914 alleles (0.00025%); highest among the groups gnomAD compares: South Asian, 0.0033%; no homozygotes.

Submission:

Labcorp Genetics (formerly Invitae), Labcorp
Classification: Uncertain significance. Last evaluated: 2022-08-01. Review status: criteria provided, single submitter. Criteria: Invitae Variant Classification Sherloc (09022015). Collection method: clinical testing. Allele origin: germline.
Comment: This sequence change replaces glutamic acid, which is acidic and polar, with aspartic acid, which is acidic and polar, at codon 4586 of the ADGRV1 protein (p.Glu4586Asp). This variant is not present in population databases (gnomAD no frequency). This variant has not been reported in the literature in individuals affected with ADGRV1-related conditions. Algorithms developed to predict the effect of missense changes on protein structure and function output the following: SIFT: "Deleterious"; PolyPhen-2: "Possibly Damaging"; Align-GVGD: "Class C0". The aspartic acid amino acid residue is found in multiple mammalian species, which suggests that this missense change does not adversely affect protein function. In summary, the available evidence is currently insufficient to determine the role of this variant in disease. Therefore, it has been classified as a Variant of Uncertain Significance.

NM_032119.4(ADGRV1):c.13758A>T (p.Glu4586Asp)

Gene: ADGRV1 (adhesion G protein-coupled receptor V1; plus strand). Cytogenetic location: 5q14.3.
Variant type: single nucleotide variant.
Coding change: c.13758A>T on transcript NM_032119.4 (MANE Select); coding-DNA position 13758, A replaced by T.
Protein change: p.Glu4586Asp; replaces glutamic acid 4586 with aspartic acid.
Molecular consequence: missense variant. On other transcripts: non-coding transcript variant (1).
Genome position (GRCh38, 1-based): chr5:90,788,175, A>T. VCF-style: chr5-90788175-A-T. GRCh37 (hg19) VCF-style: chr5-90083992-A-T.
Other names: short protein forms E4586D.
Identifiers: ClinVar variation 1714676 (VCV001714676.3), dbSNP rs941086197, ClinGen allele CA360396670.